The following is an entry in ClinVar:

NM_015909.4(NBAS):c.4351C>G (p.Gln1451Glu)

Gene: NBAS (NBAS subunit of NRZ tethering complex; minus strand). Cytogenetic location: 2p24.3.
Variant type: single nucleotide variant.
Coding change: c.4351C>G on transcript NM_015909.4 (MANE Select); coding-DNA position 4351, C replaced by G.
Protein change: p.Gln1451Glu; replaces glutamine 1451 with glutamic acid.
Molecular consequence: missense variant. On other transcripts: non-coding transcript variant (1).
Genome position (GRCh38, 1-based): chr2:15,328,309, G>C on the plus strand (C>G on the coding strand, the complement: NBAS is on the minus strand). VCF-style: chr2-15328309-G-C. GRCh37 (hg19) VCF-style: chr2-15468433-G-C.
Other names: c.4351C>G (NM_015909.2); short protein forms Q1451E.
Identifiers: ClinVar variation 1356489 (VCV001356489.6), dbSNP rs532091518, ClinGen allele CA1535677.

ClinVar aggregate classification (germline): Uncertain significance. Review status: criteria provided, multiple submitters, no conflicts (2 of 4 stars). 2 submissions from 2 submitters: Uncertain significance (2). Last evaluated 2025-06-20.

Conditions:
Inborn genetic diseases. Identifiers: MedGen C0950123, MeSH D030342.

Allele frequency attached by ClinVar (database versions not stated): gnomAD 0.00001; ExAC 0.00002; gnomAD exomes 0.00003; 1000 Genomes Project 0.00020; 1000 Genomes Project 30x 0.00031.
gnomAD v4.1: 40 of 1,612,998 alleles (0.0025%); highest among the groups gnomAD compares: Non-Finnish European, 0.0033%; no homozygotes.

Submissions (2):

Labcorp Genetics (formerly Invitae), Labcorp
Classification: Uncertain significance. Last evaluated: 2025-06-20. Review status: criteria provided, single submitter. Criteria: Invitae Variant Classification Sherloc (09022015). Collection method: clinical testing. Allele origin: germline.
Comment: This sequence change replaces glutamine, which is neutral and polar, with glutamic acid, which is acidic and polar, at codon 1451 of the NBAS protein (p.Gln1451Glu). This variant is present in population databases (rs532091518, gnomAD 0.007%). This variant has not been reported in the literature in individuals affected with NBAS-related conditions. ClinVar contains an entry for this variant (Variation ID: 1356489). Invitae Evidence Modeling of protein sequence and biophysical properties (such as structural, functional, and spatial information, amino acid conservation, physicochemical variation, residue mobility, and thermodynamic stability) indicates that this missense variant is not expected to disrupt NBAS protein function with a negative predictive value of 95%. In summary, the available evidence is currently insufficient to determine the role of this variant in disease. Therefore, it has been classified as a Variant of Uncertain Significance.

Ambry Genetics
Classification: Uncertain significance for Inborn genetic diseases. Last evaluated: 2023-12-21. Review status: criteria provided, single submitter. Criteria: Ambry Variant Classification Scheme 2023. Collection method: clinical testing. Allele origin: germline.